The following is an entry in ClinVar:

ClinVar aggregate classification (germline): Likely pathogenic. Review status: criteria provided, single submitter (1 of 4 stars). 2 submissions from 2 submitters: Likely pathogenic (1). 1 of the submissions does not count toward it. Last evaluated 2023-02-21.

Conditions:
Kennedy disease (SMAX1). Also called: SPINAL AND BULBAR MUSCULAR ATROPHY, X-LINKED 1; KENNEDY SPINAL AND BULBAR MUSCULAR ATROPHY; Spinal and Bulbar Muscular Atrophy. Identifiers: Orphanet 481, MedGen C1839259, MONDO:0010735, OMIM 313200.
Androgen resistance syndrome (AIS). Also called: DHTR DEFICIENCY; DIHYDROTESTOSTERONE RECEPTOR DEFICIENCY; ANDROGEN RECEPTOR DEFICIENCY; TESTICULAR FEMINIZATION SYNDROME; Androgen insensitivity syndrome; Androgen insensitivity. Identifiers: Orphanet 754, Orphanet 99429, MedGen C0039585, MONDO:0019154, OMIM 300068. Disease mechanism: loss of function.

Submissions (2):

Labcorp Genetics (formerly Invitae), Labcorp
Classification: Likely pathogenic for Kennedy disease; Androgen resistance syndrome. Last evaluated: 2023-02-21. Review status: criteria provided, single submitter. Criteria: Invitae Variant Classification Sherloc (09022015). Collection method: clinical testing. Allele origin: germline.
Comment: This sequence change replaces lysine, which is basic and polar, with asparagine, which is neutral and polar, at codon 581 of the AR protein (p.Lys581Asn). This variant is not present in population databases (gnomAD no frequency). This missense change has been observed in individual(s) with partial androgen insensitivity syndrome (PMID: 24367986; Invitae). In at least one individual the variant was observed to be de novo. Advanced modeling of protein sequence and biophysical properties (such as structural, functional, and spatial information, amino acid conservation, physicochemical variation, residue mobility, and thermodynamic stability) has been performed at Invitae for this missense variant, however the output from this modeling did not meet the statistical confidence thresholds required to predict the impact of this variant on AR protein function. In summary, the currently available evidence indicates that the variant is pathogenic, but additional data are needed to prove that conclusively. Therefore, this variant has been classified as Likely Pathogenic.

Molecular Genetics Laboratory, BC Children's and BC Women's Hospitals
Classification: Likely pathogenic for Androgen resistance syndrome. Last evaluated: 2025-02-20. Review status: no assertion criteria provided. Criteria: ACMG Guidelines, 2015. Collection method: clinical testing. Allele origin: germline. Affected: yes. Not counted in ClinVar's aggregate classification.

Literature cited by the submitters: PubMed 24367986 (cited by Labcorp Genetics (formerly Invitae), Labcorp).

NM_000044.6(AR):c.1743G>C (p.Lys581Asn)

Gene: AR (androgen receptor; plus strand). Cytogenetic location: Xq12.
Variant type: single nucleotide variant.
Coding change: c.1743G>C on transcript NM_000044.6 (MANE Select); coding-DNA position 1743, G replaced by C.
Protein change: p.Lys581Asn; replaces lysine 581 with asparagine.
Molecular consequence: missense variant. On other transcripts: intron variant (1).
Genome position (GRCh38, 1-based): chrX:67,643,382, G>C. VCF-style: chrX-67643382-G-C. GRCh37 (hg19) VCF-style: chrX-66863224-G-C.
Other names: c.1743G>C (NM_000044.2); c.147G>C, p.Lys49Asn (NM_001011645.3); c.1743G>C, p.Lys581Asn (NM_001348061.1, NM_001348063.1); c.1746G>C, p.Lys582Asn (NM_001424175.1); c.1617-42559G>C (NM_001348064.1); short protein forms K582N, K49N, K581N.
Identifiers: ClinVar variation 2942787 (VCV002942787.4), dbSNP rs6154, ClinGen allele CA413422876.